The following is an entry in ClinVar:

NM_001292034.3(TAB2):c.1572del (p.Ser524fs)

Genes: TAB2 (TGF-beta activated kinase 1 (MAP3K7) binding protein 2; plus strand), LOC126859827 (BRD4-independent group 4 enhancer GRCh37_chr6:149699707-149700906; plus strand). Cytogenetic location: 6q25.1.
Variant type: Deletion.
Coding change: c.1572del on transcript NM_001292034.3 (MANE Select); coding-DNA position 1572, one base deleted (T; older notation c.1572delT).
Protein change: p.Ser524fs; shifts the reading frame from serine 524.
Molecular consequence: frameshift variant.
Genome position (GRCh38, 1-based): chr6:149,379,487, T deleted. VCF-style (leftmost placement, unchanged base first): chr6-149379486-GT-G. GRCh37 (hg19) VCF-style: chr6-149700622-GT-G.
Other names: c.1476del, p.Ser492fs (NM_001292035.3); c.1572del, p.Ser524fs (NM_001369506.1, NM_015093.6); short protein forms S492fs, S524fs.
Identifiers: ClinVar variation 2505202 (VCV002505202.1), dbSNP rs2483399715, ClinGen allele CA2580615795.

ClinVar aggregate classification (germline): Pathogenic (1 of 4 stars; one submission).

Conditions:
Congenital heart defects, multiple types, 2 (CHTD2). Also called: Congenital heart defects, nonsyndromic, 2. Identifiers: Orphanet 664401, MedGen C3554279, MONDO:0014000, OMIM 614980.

Submission:

Greenwood Genetic Center Diagnostic Laboratories, Greenwood Genetic Center
Classification: Pathogenic for Congenital heart defects, multiple types, 2. Last evaluated: 2023-03-08. Review status: criteria provided, single submitter. Criteria: ACMG Guidelines, 2015. Collection method: clinical testing. Allele origin: germline. Affected: yes.
Comment: PVS1, PM2, PM6